The following is an entry in ClinVar:

ClinVar aggregate classification (germline): Uncertain significance (1 of 4 stars; one submission).

Submission:

Laboratorio de Genetica e Diagnostico Molecular, Hospital Israelita Albert Einstein
Classification: Uncertain significance. Last evaluated: 2021-08-17. Review status: criteria provided, single submitter. Criteria: ACMG Guidelines, 2015. Collection method: clinical testing. Allele origin: germline. Affected: yes.
Comment: ACMG classification criteria: PM2

NM_001375524.1(TRRAP):c.8090C>G (p.Pro2697Arg)

Gene: TRRAP (transformation/transcription domain associated protein; plus strand). Cytogenetic location: 7q22.1.
Variant type: single nucleotide variant.
Coding change: c.8090C>G on transcript NM_001375524.1 (MANE Select); coding-DNA position 8090, C replaced by G.
Protein change: p.Pro2697Arg; replaces proline 2697 with arginine.
Molecular consequence: missense variant.
Genome position (GRCh38, 1-based): chr7:98,976,613, C>G. VCF-style: chr7-98976613-C-G. GRCh37 (hg19) VCF-style: chr7-98574236-C-G.
Other names: c.8069C>G, p.Pro2690Arg (NM_001244580.2); c.8015C>G, p.Pro2672Arg (NM_003496.4); short protein forms P2672R, P2690R, P2697R.
Identifiers: ClinVar variation 1690420 (VCV001690420.2), dbSNP rs753661271, ClinGen allele CA368303529.